The following is an entry in ClinVar:

NM_001286445.3(RIPOR2):c.779G>A (p.Arg260Gln)

Gene: RIPOR2 (RHO family interacting cell polarization regulator 2; minus strand). Cytogenetic location: 6p22.3.
Variant type: single nucleotide variant.
Coding change: c.779G>A on transcript NM_001286445.3 (MANE Select); coding-DNA position 779, G replaced by A.
Protein change: p.Arg260Gln; replaces arginine 260 with glutamine.
Molecular consequence: missense variant.
Genome position (GRCh38, 1-based): chr6:24,850,703, C>T on the plus strand (G>A on the coding strand, the complement: RIPOR2 is on the minus strand). VCF-style: chr6-24850703-C-T. GRCh37 (hg19) VCF-style: chr6-24850931-C-T.
Other names: c.692G>A (NM_014722.2); c.794G>A, p.Arg265Gln (NM_001286446.3); c.692G>A, p.Arg231Gln (NM_001286447.2, NM_001346031.2, NM_001346032.2 and 2 more transcripts); short protein forms R231Q, R260Q, R265Q.
Identifiers: ClinVar variation 1680517 (VCV001680517.7), dbSNP rs781730252, ClinGen allele CA3659424.

ClinVar aggregate classification (germline): Uncertain significance. Review status: criteria provided, multiple submitters, no conflicts (2 of 4 stars). 2 submissions from 2 submitters: Uncertain significance (2). Last evaluated 2025-12-17.

Allele frequency attached by ClinVar (database versions not stated): gnomAD exomes 0.00002 and 0.00004; TOPMed 0.00003; ExAC 0.00004; gnomAD 0.00004 and 0.00005.
gnomAD v4.1: 40 of 1,613,636 alleles (0.0025%); highest among the groups gnomAD compares: Admixed American, 0.01%; no homozygotes.

Submissions (2):

Labcorp Genetics (formerly Invitae), Labcorp
Classification: Uncertain significance. Last evaluated: 2025-12-17. Review status: criteria provided, single submitter. Criteria: Invitae Variant Classification Sherloc (09022015). Collection method: clinical testing. Allele origin: germline.
Comment: This sequence change replaces arginine, which is basic and polar, with glutamine, which is neutral and polar, at codon 231 of the FAM65B protein (p.Arg231Gln). This variant is present in population databases (rs781730252, gnomAD 0.01%). This variant has not been reported in the literature in individuals affected with FAM65B-related conditions. ClinVar contains an entry for this variant (Variation ID: 1680517). An algorithm developed to predict the effect of missense changes on protein structure and function (PolyPhen-2) suggests that this variant is likely to be disruptive. In summary, the available evidence is currently insufficient to determine the role of this variant in disease. Therefore, it has been classified as a Variant of Uncertain Significance.

Ambry Genetics
Classification: Uncertain significance. Last evaluated: 2024-01-08. Review status: criteria provided, single submitter. Criteria: Ambry Variant Classification Scheme 2023. Collection method: clinical testing. Allele origin: germline.